The following is an entry in ClinVar:

NM_000059.4(BRCA2):c.4322A>C (p.Glu1441Ala)

Gene: BRCA2 (BRCA2 DNA repair associated; plus strand). Cytogenetic location: 13q13.1.
Variant type: single nucleotide variant.
Coding change: c.4322A>C on transcript NM_000059.4 (MANE Select); coding-DNA position 4322, A replaced by C.
Protein change: p.Glu1441Ala; replaces glutamic acid 1441 with alanine.
Molecular consequence: missense variant.
Genome position (GRCh38, 1-based): chr13:32,338,677, A>C. VCF-style: chr13-32338677-A-C. GRCh37 (hg19) VCF-style: chr13-32912814-A-C.
Other names: short protein forms E1441A.
Identifiers: ClinVar variation 863772 (VCV000863772.11), dbSNP rs1198430908, ClinGen allele CA387780824.

ClinVar aggregate classification (germline): Conflicting classifications of pathogenicity. Review status: criteria provided, conflicting classifications (1 of 4 stars). 2 submissions from 2 submitters: Uncertain significance (1); Likely benign (1). Last evaluated 2023-03-23.

Conditions:
Hereditary cancer-predisposing syndrome. Also called: Hereditary Cancer Syndrome; Tumor predisposition; Neoplastic Syndromes, Hereditary; Hereditary neoplastic syndrome. Identifiers: Orphanet 140162, MedGen C0027672, MeSH D009386, MONDO:0015356.
Hereditary breast ovarian cancer syndrome. Also called: Hereditary breast and ovarian cancer syndrome; Hereditary breast and/or ovarian cancer syndrome; Hereditary breast and ovarian cancer syndrome (HBOC); Breast and ovarian cancer; Hereditary breast and ovarian cancer; BRCA1- and BRCA2-Associated Hereditary Breast and Ovarian Cancer. Identifiers: Orphanet 145, MedGen C0677776, MeSH D061325, MONDO:0003582. Disease mechanism: loss of function.

Submissions (2):

University of Washington Department of Laboratory Medicine, University of Washington
Classification: Likely benign for Hereditary cancer-predisposing syndrome. Last evaluated: 2023-03-23. Review status: criteria provided, single submitter. Criteria: Dines et al. (Genet Med. 2020). Collection method: curation. Allele origin: germline.
Comment: Missense variant in a coldspot region where missense variants are very unlikely to be pathogenic (PMID:31911673).

BRCA2 exon 11 coldspot. Reclassification based on statistical prior probability.

Labcorp Genetics (formerly Invitae), Labcorp
Classification: Uncertain significance for Hereditary breast ovarian cancer syndrome. Last evaluated: 2019-03-13. Review status: criteria provided, single submitter. Criteria: Invitae Variant Classification Sherloc (09022015). Collection method: clinical testing. Allele origin: germline.
Comment: In summary, the available evidence is currently insufficient to determine the role of this variant in disease. Therefore, it has been classified as a Variant of Uncertain Significance. Algorithms developed to predict the effect of missense changes on protein structure and function (SIFT, PolyPhen-2, Align-GVGD) all suggest that this variant is likely to be tolerated, but these predictions have not been confirmed by published functional studies and their clinical significance is uncertain. This variant has not been reported in the literature in individuals with BRCA2-related conditions. This variant is not present in population databases (ExAC no frequency). This sequence change replaces glutamic acid with alanine at codon 1441 of the BRCA2 protein (p.Glu1441Ala). The glutamic acid residue is moderately conserved and there is a moderate physicochemical difference between glutamic acid and alanine.